The following is an entry in ClinVar:

ClinVar aggregate classification (germline): Uncertain significance. Review status: criteria provided, multiple submitters, no conflicts (2 of 4 stars). 2 submissions from 2 submitters: Uncertain significance (2). Last evaluated 2024-06-13.

gnomAD v4.1: 2 of 1,601,080 alleles (0.00012%); highest among the groups gnomAD compares: Non-Finnish European, 0.00017%; no homozygotes.

Submissions (2):

Mayo Clinic Laboratories, Mayo Clinic
Classification: Uncertain significance. Last evaluated: 2024-06-13. Review status: criteria provided, single submitter. Criteria: ACMG Guidelines, 2015. Collection method: clinical testing. Allele origin: germline. Observed: 5 variant alleles.
Comment: PP3, PM2_moderate

Revvity Omics, Revvity
Classification: Uncertain significance. Last evaluated: 2022-03-17. Review status: criteria provided, single submitter. Criteria: ACMG Guidelines, 2015. Collection method: clinical testing. Allele origin: germline.

NM_001355436.2(SPTB):c.2805-22G>A

Gene: SPTB (spectrin beta, erythrocytic; minus strand). Cytogenetic location: 14q23.3.
Variant type: single nucleotide variant.
Coding change: c.2805-22G>A on transcript NM_001355436.2 (MANE Select); 22 bases into the intron before coding-DNA position 2805, G replaced by A.
Molecular consequence: intron variant.
Genome position (GRCh38, 1-based): chr14:64,787,182, C>T on the plus strand (G>A on the coding strand, the complement: SPTB is on the minus strand). VCF-style: chr14-64787182-C-T. GRCh37 (hg19) VCF-style: chr14-65253900-C-T.
Other names: p.?; c.2805-22G>A (NM_001024858.4, NM_001355437.2).
Identifiers: ClinVar variation 3380206 (VCV003380206.2).